The following is an entry in ClinVar:

NM_130797.4(DPP6):c.244-1G>A

Gene: DPP6 (dipeptidyl peptidase like 6; plus strand). Cytogenetic location: 7q36.2.
Variant type: single nucleotide variant.
Coding change: c.244-1G>A on transcript NM_130797.4 (MANE Select); the canonical splice acceptor site of the intron before coding-DNA position 244, G replaced by A.
Molecular consequence: splice acceptor variant, genic upstream transcript variant. On other transcripts: initiator codon variant (4).
Genome position (GRCh38, 1-based): chr7:154,446,213, G>A. VCF-style: chr7-154446213-G-A. GRCh37 (hg19) VCF-style: chr7-154143298-G-A.
Other names: c.61-1G>A (NM_001364500.2, NM_001364499.2, NM_001364497.2 and 1 more transcripts); c.52-1G>A (NM_001364501.2, NM_001039350.3); c.244-1G>A (NM_001290253.2); c.58-1G>A (NM_001936.5, NM_001290252.2, NM_001364502.2).
Identifiers: ClinVar variation 1299637 (VCV001299637.3), dbSNP rs2151289543, ClinGen allele CA370203046.
Genomic context (GRCh38, chr7:154,446,213, plus strand): 5'-TTGGCTTATTTTATTTCCTTATTTCACTCACTGGGGTTTTCTTTGTTGTTGCTGTTTTTA[G>A]GAGCTGGTGGGGAGTAACCCTCCGCAGAGGAATTGGAAAGGAATAGCAATTGCACTGCTT-3'

ClinVar aggregate classification (germline): Uncertain significance (1 of 4 stars; one submission).

Conditions:
HP:0000729 Autistic spectrum disorder.

Submission:

Laboratory of Medical Genetics, National & Kapodistrian University of Athens
Classification: Uncertain significance for HP:0000729 Autistic spectrum disorder. Last evaluated: 2024-06-01. Review status: criteria provided, single submitter. Criteria: ACMG Guidelines, 2015. Collection method: clinical testing. Allele origin: paternal. Affected: yes.
Comment: PVS1_moderate, PM2, PP3